The following is an entry in ClinVar:

NM_005477.3(HCN4):c.3206G>A (p.Arg1069Gln)

Gene: HCN4 (hyperpolarization activated cyclic nucleotide gated potassium channel 4; minus strand). Cytogenetic location: 15q24.1.
Variant type: single nucleotide variant.
Coding change: c.3206G>A on transcript NM_005477.3 (MANE Select); coding-DNA position 3206, G replaced by A.
Protein change: p.Arg1069Gln; replaces arginine 1069 with glutamine.
Molecular consequence: missense variant.
Genome position (GRCh38, 1-based): chr15:73,322,887, C>T on the plus strand (G>A on the coding strand, the complement: HCN4 is on the minus strand). VCF-style: chr15-73322887-C-T. GRCh37 (hg19) VCF-style: chr15-73615228-C-T.
Other names: short protein forms R1069Q.
Identifiers: ClinVar variation 1348490 (VCV001348490.9), dbSNP rs760242560, ClinGen allele CA7648869.

ClinVar aggregate classification (germline): Uncertain significance. Review status: criteria provided, multiple submitters, no conflicts (2 of 4 stars). 3 submissions from 3 submitters: Uncertain significance (3). Last evaluated 2025-12-14.

Conditions:
Cardiovascular phenotype. Identifiers: MedGen CN230736.
Sick sinus syndrome 2, autosomal dominant (SSS2). Also called: SICK SINUS SYNDROME 2; SICK SINUS SYNDROME 2 WITH OR WITHOUT CARDIAC NONCOMPACTION AND/OR ASCENDING AORTA DILATION; SINUS BRADYCARDIA SYNDROME, FAMILIAL, AUTOSOMAL DOMINANT; SINUS NODE DISEASE, FAMILIAL, AUTOSOMAL DOMINANT; ATRIAL FIBRILLATION WITH BRADYARRHYTHMIA. Identifiers: Orphanet 166282, MedGen C1834144, MONDO:0008102, OMIM 163800.
Brugada syndrome 8 (BRGDA8). Identifiers: Orphanet 130, MedGen C2751083, MONDO:0013148, OMIM 613123.
Epilepsy, idiopathic generalized, susceptibility to, 18. Identifiers: MedGen C5561983, MONDO:0030434, OMIM 619521.

Allele frequency attached by ClinVar (database versions not stated): gnomAD exomes 0.00001; TOPMed 0.00001; ExAC 0.00007.
gnomAD v4.1: 10 of 1,435,946 alleles (0.0007%); highest among the groups gnomAD compares: Admixed American, 0.0055%; no homozygotes.

Submissions (3):

Labcorp Genetics (formerly Invitae), Labcorp
Classification: Uncertain significance for Brugada syndrome 8. Last evaluated: 2025-12-14. Review status: criteria provided, single submitter. Criteria: Invitae Variant Classification Sherloc (09022015). Collection method: clinical testing. Allele origin: germline.
Comment: This sequence change replaces arginine, which is basic and polar, with glutamine, which is neutral and polar, at codon 1069 of the HCN4 protein (p.Arg1069Gln). This variant is present in population databases (rs760242560, gnomAD 0.003%). This variant has not been reported in the literature in individuals affected with HCN4-related conditions. ClinVar contains an entry for this variant (Variation ID: 1348490). Invitae Evidence Modeling of protein sequence and biophysical properties (such as structural, functional, and spatial information, amino acid conservation, physicochemical variation, residue mobility, and thermodynamic stability) indicates that this missense variant is not expected to disrupt HCN4 protein function with a negative predictive value of 95%. In summary, the available evidence is currently insufficient to determine the role of this variant in disease. Therefore, it has been classified as a Variant of Uncertain Significance.

Ambry Genetics
Classification: Uncertain significance for Cardiovascular phenotype. Last evaluated: 2023-12-31. Review status: criteria provided, single submitter. Criteria: Ambry Variant Classification Scheme 2023. Collection method: clinical testing. Allele origin: germline.
Comment: The p.R1069Q variant (also known as c.3206G>A), located in coding exon 8 of the HCN4 gene, results from a G to A substitution at nucleotide position 3206. The arginine at codon 1069 is replaced by glutamine, an amino acid with highly similar properties. This amino acid position is conserved. In addition, the in silico prediction for this alteration is inconclusive. Since supporting evidence is limited at this time, the clinical significance of this alteration remains unclear.

Fulgent Genetics
Classification: Uncertain significance for Sick sinus syndrome 2, autosomal dominant; Brugada syndrome 8; Epilepsy, idiopathic generalized, susceptibility to, 18. Last evaluated: 2021-09-28. Review status: criteria provided, single submitter. Criteria: ACMG Guidelines, 2015. Collection method: clinical testing. Allele origin: unknown.